The following is an entry in ClinVar:

ClinVar aggregate classification (germline): Uncertain significance. Review status: criteria provided, multiple submitters, no conflicts (2 of 4 stars). 3 submissions from 3 submitters: Uncertain significance (3). Last evaluated 2025-03-06.

Conditions:
HADHA-related disorder. Also called: HADHA-related condition; HADHA-related disorders.
Long chain 3-hydroxyacyl-CoA dehydrogenase deficiency. Also called: LCHAD Deficiency; Deficiency of long-chain 3-hydroxyacyl-coenzyme A dehydrogenase. Identifiers: Orphanet 5, MedGen C3711645, MONDO:0012173, OMIM 609016.
Mitochondrial trifunctional protein deficiency. Identifiers: Orphanet 746, MedGen C1969443, MONDO:0012172.
Inborn genetic diseases. Identifiers: MedGen C0950123, MeSH D030342.

Allele frequency attached by ClinVar (database versions not stated): gnomAD 0.00001 and 0.00002; gnomAD exomes 0.00001 and 0.00002; ExAC 0.00003; TOPMed 0.00003; ESP Exome Variant Server 0.00008.
gnomAD v4.1: 7 of 1,614,052 alleles (0.00043%); highest among the groups gnomAD compares: African/African-American, 0.0093%; no homozygotes.

Submissions (3):

Ambry Genetics
Classification: Uncertain significance for Inborn genetic diseases. Last evaluated: 2025-03-06. Review status: criteria provided, single submitter. Criteria: Ambry Variant Classification Scheme 2023. Collection method: clinical testing. Allele origin: germline.

PreventionGenetics, part of Exact Sciences
Classification: Uncertain significance for HADHA-related condition. Last evaluated: 2023-06-09. Review status: criteria provided, single submitter. Criteria: ACMG Guidelines, 2015. Collection method: clinical testing. Allele origin: germline.
Comment: The HADHA c.2186T>C variant is predicted to result in the amino acid substitution p.Ile729Thr. To our knowledge, this variant has not been reported in the literature. This variant is reported in 0.024% of alleles in individuals of African descent in gnomAD. At this time, the clinical significance of this variant is uncertain due to the absence of conclusive functional and genetic evidence.

Labcorp Genetics (formerly Invitae), Labcorp
Classification: Uncertain significance for Mitochondrial trifunctional protein deficiency; Long chain 3-hydroxyacyl-CoA dehydrogenase deficiency. Last evaluated: 2021-11-23. Review status: criteria provided, single submitter. Criteria: Invitae Variant Classification Sherloc (09022015). Collection method: clinical testing. Allele origin: germline.
Comment: This sequence change replaces isoleucine, which is neutral and non-polar, with threonine, which is neutral and polar, at codon 729 of the HADHA protein (p.Ile729Thr). This variant is present in population databases (rs143434901, gnomAD 0.02%). This variant has not been reported in the literature in individuals affected with HADHA-related conditions. Advanced modeling of protein sequence and biophysical properties (such as structural, functional, and spatial information, amino acid conservation, physicochemical variation, residue mobility, and thermodynamic stability) performed at Invitae indicates that this missense variant is not expected to disrupt HADHA protein function. In summary, the available evidence is currently insufficient to determine the role of this variant in disease. Therefore, it has been classified as a Variant of Uncertain Significance.

NM_000182.5(HADHA):c.2186T>C (p.Ile729Thr)

Genes: GAREM2 (GRB2 associated regulator of MAPK1 subtype 2; plus strand), HADHA (hydroxyacyl-CoA dehydrogenase trifunctional multienzyme complex subunit alpha; minus strand). Cytogenetic location: 2p23.3.
Variant type: single nucleotide variant.
Coding change: c.2186T>C on transcript NM_000182.5 (MANE Select); coding-DNA position 2186, T replaced by C.
Protein change: p.Ile729Thr; replaces isoleucine 729 with threonine.
Molecular consequence: missense variant.
Genome position (GRCh38, 1-based): chr2:26,191,356, A>G on the plus strand (T>C on the coding strand, the complement: HADHA is on the minus strand). VCF-style: chr2-26191356-A-G. GRCh37 (hg19) VCF-style: chr2-26414225-A-G.
Other names: c.2186T>C (NM_000182.4); short protein forms I729T.
Identifiers: ClinVar variation 1354049 (VCV001354049.5), dbSNP rs143434901, ClinGen allele CA1559329.